The following is an entry in ClinVar:

NM_032444.4(SLX4):c.4742T>C (p.Phe1581Ser)

Gene: SLX4 (SLX4 structure-specific endonuclease subunit; minus strand). Cytogenetic location: 16p13.3.
Variant type: single nucleotide variant.
Coding change: c.4742T>C on transcript NM_032444.4 (MANE Select); coding-DNA position 4742, T replaced by C.
Protein change: p.Phe1581Ser; replaces phenylalanine 1581 with serine.
Molecular consequence: missense variant.
Genome position (GRCh38, 1-based): chr16:3,583,508, A>G on the plus strand (T>C on the coding strand, the complement: SLX4 is on the minus strand). VCF-style: chr16-3583508-A-G. GRCh37 (hg19) VCF-style: chr16-3633509-A-G.
Other names: short protein forms F1581S.
Identifiers: ClinVar variation 1990971 (VCV001990971.2), dbSNP rs769461301, ClinGen allele CA7865514.

ClinVar aggregate classification (germline): Uncertain significance. Review status: criteria provided, multiple submitters, no conflicts (2 of 4 stars). 2 submissions from 2 submitters: Uncertain significance (2). Last evaluated 2022-04-17.

Conditions:
Inborn genetic diseases. Identifiers: MedGen C0950123, MeSH D030342.
Fanconi anemia (FA). Also called: Fanconi's anemia. Identifiers: Orphanet 84, MedGen C0015625, MeSH D005199, MONDO:0019391.

Allele frequency attached by ClinVar (database versions not stated): gnomAD exomes below 0.00001; TOPMed below 0.00001; ExAC 0.00001.
gnomAD v4.1: 4 of 1,614,018 alleles (0.00025%); highest among the groups gnomAD compares: Admixed American, 0.0033%; no homozygotes.

Submissions (2):

Labcorp Genetics (formerly Invitae), Labcorp
Classification: Uncertain significance for Fanconi anemia. Last evaluated: 2022-04-17. Review status: criteria provided, single submitter. Criteria: Invitae Variant Classification Sherloc (09022015). Collection method: clinical testing. Allele origin: germline.
Comment: This sequence change replaces phenylalanine, which is neutral and non-polar, with serine, which is neutral and polar, at codon 1581 of the SLX4 protein (p.Phe1581Ser). This variant is present in population databases (rs769461301, gnomAD 0.006%). This variant has not been reported in the literature in individuals affected with SLX4-related conditions. Algorithms developed to predict the effect of missense changes on protein structure and function (SIFT, PolyPhen-2, Align-GVGD) all suggest that this variant is likely to be disruptive. In summary, the available evidence is currently insufficient to determine the role of this variant in disease. Therefore, it has been classified as a Variant of Uncertain Significance.

Ambry Genetics
Classification: Uncertain significance for Inborn genetic diseases. Last evaluated: 2022-02-02. Review status: criteria provided, single submitter. Criteria: Ambry Variant Classification Scheme 2023. Collection method: clinical testing. Allele origin: germline.